The following is an entry in ClinVar:

NM_000059.4(BRCA2):c.9376_9378delinsTAA (p.Gln3126Ter)

Gene: BRCA2 (BRCA2 DNA repair associated; plus strand). Cytogenetic location: 13q13.1.
Variant type: Indel.
Coding change: c.9376_9378delinsTAA on transcript NM_000059.4 (MANE Select); coding-DNA positions 9376 to 9378, CAG replaced by TAA.
Protein change: p.Gln3126Ter; replaces glutamine 3126 with a stop codon.
Molecular consequence: nonsense. On other transcripts: non-coding transcript variant (1).
Genome position (GRCh38, 1-based): chr13:32,394,808-32,394,810, CAG replaced by TAA. VCF-style: chr13-32394808-CAG-TAA. GRCh37 (hg19) VCF-style: chr13-32968945-CAG-TAA.
Other names: c.9280_9282delinsTAA, p.Gln3094Ter (NM_001406719.1); c.9325_9327delinsTAA, p.Gln3109Ter (NM_001406720.1); c.4444_4446delinsTAA, p.Gln1482Ter (NM_001406721.1); c.2959_2961delinsTAA, p.Gln987Ter (NM_001406722.1); c.9376_9378delinsTAA, p.Gln3126Ter (NM_001432077.1); short protein forms Q1482*, Q3094*, Q3109*, Q3126*, Q987*.
Identifiers: ClinVar variation 3379246 (VCV003379246.1).
Genomic context (GRCh38, chr13:32,394,808, plus strand): 5'-TGGATAGACCTTAATGAGGACATTATTAAGCCTCATATGTTAATTGCTGCAAGCAACCTC[CAG>TAA]TGGCGACCAGAATCCAAATCAGGCCTTCTTACTTTATTTGCTGGAGATTTTTCTGTGTTT-3'

ClinVar aggregate classification (germline): Pathogenic (1 of 4 stars; one submission).

Conditions:
Breast-ovarian cancer, familial, susceptibility to, 2 (BROVCA2). Also called: BRCA2 Hereditary Breast and Ovarian Cancer. Identifiers: Orphanet 145, MedGen C2675520, MONDO:0012933, OMIM 612555. Disease mechanism: loss of function.

Submission:

Myriad Genetics, Inc.
Classification: Pathogenic for Breast-ovarian cancer, familial, susceptibility to, 2. Last evaluated: 2024-07-23. Review status: criteria provided, single submitter. Criteria: Myriad Autosomal Dominant, Autosomal Recessive and X-Linked Classification Criteria (2023). Collection method: clinical testing. Allele origin: unknown.
Comment: This variant is considered pathogenic. This variant creates a termination codon and is predicted to result in premature protein truncation.